The following is an entry in ClinVar:

ClinVar aggregate classification (germline): Pathogenic (1 of 4 stars; one submission).

Conditions:
Hypophosphatasia. Also called: Phosphoethanol-aminuria. Identifiers: Orphanet 436, MedGen C0020630, MeSH D007014, MONDO:0018570.

Submission:

Genomenon, Inc
Classification: Pathogenic for Hypophosphatasia. Last evaluated: 2025-08-29. Review status: criteria provided, single submitter. Criteria: Genomenon Sequence Variant Interpretation Standards. Collection method: curation. Allele origin: germline. Affected: yes.
Comment: ALPL c.298-1G>C is a canonical splice variant located in the acceptor splice region of intron 4. This variant has been observed in at least one proband affected with hypophosphatasia (PMID:38884565). It is absent or not present at a significant frequency in gnomAD. In conclusion, we classify ALPL c.298-1G>C as a pathogenic variant.

Literature cited by the submitters: PubMed 38884565.

NM_000478.6(ALPL):c.298-1G>C

Gene: ALPL (alkaline phosphatase, biomineralization associated; plus strand). Cytogenetic location: 1p36.12.
Variant type: single nucleotide variant.
Coding change: c.298-1G>C on transcript NM_000478.6 (MANE Select); the canonical splice acceptor site of the intron before coding-DNA position 298, G replaced by C.
Molecular consequence: splice acceptor variant.
Genome position (GRCh38, 1-based): chr1:21,563,109, G>C. VCF-style: chr1-21563109-G-C. GRCh37 (hg19) VCF-style: chr1-21889602-G-C.
Other names: c.298-1G>C (NM_001369805.2, NM_001369804.2, NM_001369803.2); c.133-1G>C (NM_001127501.4); c.67-1G>C (NM_001177520.3).
Identifiers: ClinVar variation 4086927 (VCV004086927.1).